The following is an entry in ClinVar:

ClinVar aggregate classification (germline): Uncertain significance (1 of 4 stars; one submission).

Submission:

Labcorp Genetics (formerly Invitae), Labcorp
Classification: Uncertain significance. Last evaluated: 2025-11-07. Review status: criteria provided, single submitter. Criteria: Invitae Variant Classification Sherloc (09022015). Collection method: clinical testing. Allele origin: germline.
Comment: This sequence change replaces threonine, which is neutral and polar, with serine, which is neutral and polar, at codon 112 of the NEUROD2 protein (p.Thr112Ser). This variant is not present in population databases (gnomAD no frequency). This variant has not been reported in the literature in individuals affected with NEUROD2-related conditions. Invitae Evidence Modeling of protein sequence and biophysical properties (such as structural, functional, and spatial information, amino acid conservation, physicochemical variation, residue mobility, and thermodynamic stability) indicates that this missense variant is not expected to disrupt NEUROD2 protein function with a negative predictive value of 80%. In summary, the available evidence is currently insufficient to determine the role of this variant in disease. Therefore, it has been classified as a Variant of Uncertain Significance.

NM_006160.4(NEUROD2):c.335C>G (p.Thr112Ser)

Gene: NEUROD2 (neuronal differentiation 2; minus strand). Cytogenetic location: 17q12.
Variant type: single nucleotide variant.
Coding change: c.335C>G on transcript NM_006160.4 (MANE Select); coding-DNA position 335, C replaced by G.
Protein change: p.Thr112Ser; replaces threonine 112 with serine.
Molecular consequence: missense variant.
Genome position (GRCh38, 1-based): chr17:39,606,265, G>C on the plus strand (C>G on the coding strand, the complement: NEUROD2 is on the minus strand). VCF-style: chr17-39606265-G-C. GRCh37 (hg19) VCF-style: chr17-37762518-G-C.
Other names: short protein forms T112S.
Identifiers: ClinVar variation 4741262 (VCV004741262.1).